The following is an entry in ClinVar:

NM_198576.4(AGRN):c.6099C>T (p.Ala2033=)

Gene: AGRN (agrin; plus strand). Cytogenetic location: 1p36.33.
Variant type: single nucleotide variant.
Coding change: c.6099C>T on transcript NM_198576.4 (MANE Select); coding-DNA position 6099, C replaced by T.
Protein change: p.Ala2033=; no amino-acid change (alanine 2033 retained).
Molecular consequence: synonymous variant.
Genome position (GRCh38, 1-based): chr1:1,054,942, C>T. VCF-style: chr1-1054942-C-T. GRCh37 (hg19) VCF-style: chr1-990322-C-T.
Other names: c.6168C>T, p.Ala2056= (NM_001305275.2); c.5796C>T, p.Ala1932= (NM_001364727.2).
Identifiers: ClinVar variation 2165944 (VCV002165944.7), dbSNP rs376910478, ClinGen allele CA510333.

ClinVar aggregate classification (germline): Likely benign. Review status: criteria provided, multiple submitters, no conflicts (2 of 4 stars). 3 submissions from 3 submitters: Likely benign (3). Last evaluated 2026-06-01.

Conditions:
Congenital myasthenic syndrome 8. Also called: MYASTHENIC SYNDROME, CONGENITAL, DUE TO AGRIN DEFICIENCY; Myasthenic syndrome, congenital, 8, with pre- and postsynaptic defects. Identifiers: Orphanet 590, MedGen C3808739, MONDO:0014052, OMIM 615120.

Allele frequency attached by ClinVar (database versions not stated): TOPMed 0.00005; gnomAD 0.00007; ESP Exome Variant Server 0.00008; ExAC 0.00012.
gnomAD v4.1: 28 of 1,549,068 alleles (0.0018%); highest among the groups gnomAD compares: African/African-American, 0.0082%; no homozygotes.

Submissions (3):

CeGaT Center for Human Genetics Tuebingen
Classification: Likely benign. Last evaluated: 2026-06-01. Review status: criteria provided, single submitter. Criteria: CeGaT Center For Human Genetics Tuebingen Variant Classification Criteria Version 2. Collection method: clinical testing. Allele origin: germline. Affected: yes. Observed: 1 variant allele.
Comment: AGRN: BP4, BP7

Women's Health and Genetics/Laboratory Corporation of America, LabCorp
Classification: Likely benign. Last evaluated: 2025-10-29. Review status: criteria provided, single submitter. Criteria: LabCorp Variant Classification Summary - May 2015. Collection method: clinical testing. Allele origin: germline.
Comment: Variant summary: AGRN c.6099C>T results in a synonymous change. Consensus agreement among computation tools predict no significant impact on normal splicing. However, these predictions have yet to be confirmed by functional studies. The variant allele was found at a frequency of 3.3e-05 in 151662 control chromosomes. The available data on variant occurrences in the general population are insufficient to allow any conclusion about variant significance. To our knowledge, no occurrence of c.6099C>T in individuals affected with AGRN-related conditions and no experimental evidence demonstrating its impact on protein function have been reported. ClinVar contains an entry for this variant (Variation ID: 2165944). Based on the evidence outlined above, the variant was classified as likely benign.

Labcorp Genetics (formerly Invitae), Labcorp
Classification: Likely benign for Congenital myasthenic syndrome 8. Last evaluated: 2022-02-01. Review status: criteria provided, single submitter. Criteria: Invitae Variant Classification Sherloc (09022015). Collection method: clinical testing. Allele origin: germline.